The following is an entry in ClinVar:

ClinVar aggregate classification (germline): Uncertain significance (1 of 4 stars; one submission).

Allele frequency attached by ClinVar (database versions not stated): gnomAD 0.00001; TOPMed 0.00001.
gnomAD v4.1: 1 of 1,594,250 alleles (0.000063%); highest among the groups gnomAD compares: African/African-American, 0.0013%; no homozygotes.

Submission:

Labcorp Genetics (formerly Invitae), Labcorp
Classification: Uncertain significance. Last evaluated: 2023-04-28. Review status: criteria provided, single submitter. Criteria: Invitae Variant Classification Sherloc (09022015). Collection method: clinical testing. Allele origin: germline.
Comment: This sequence change replaces proline, which is neutral and non-polar, with threonine, which is neutral and polar, at codon 168 of the PPCS protein (p.Pro168Thr). This variant is present in population databases (no rsID available, gnomAD 0.01%). This variant has not been reported in the literature in individuals affected with PPCS-related conditions. Advanced modeling of protein sequence and biophysical properties (such as structural, functional, and spatial information, amino acid conservation, physicochemical variation, residue mobility, and thermodynamic stability) performed at Invitae indicates that this missense variant is not expected to disrupt PPCS protein function. In summary, the available evidence is currently insufficient to determine the role of this variant in disease. Therefore, it has been classified as a Variant of Uncertain Significance.

NM_024664.4(PPCS):c.502C>A (p.Pro168Thr)

Genes: CCDC30 (coiled-coil domain containing 30; plus strand), PPCS (phosphopantothenoylcysteine synthetase; plus strand). Cytogenetic location: 1p34.2.
Variant type: single nucleotide variant.
Coding change: c.502C>A on transcript NM_024664.4 (MANE Select); coding-DNA position 502, C replaced by A.
Protein change: p.Pro168Thr; replaces proline 168 with threonine.
Molecular consequence: missense variant. On other transcripts: 5 prime UTR variant (1), intron variant (6).
Genome position (GRCh38, 1-based): chr1:42,457,067, C>A. VCF-style: chr1-42457067-C-A. GRCh37 (hg19) VCF-style: chr1-42922738-C-A.
Other names: c.-191C>A (NM_001287510.2); c.502C>A, p.Pro168Thr (NM_001287511.2); c.-983-180C>A (NM_001355226.2); c.-327-180C>A (NM_001287507.1); c.-11-180C>A (NM_001287506.1, NM_001287508.2, NM_001077447.3 and 1 more transcripts); short protein forms P168T.
Identifiers: ClinVar variation 2872105 (VCV002872105.3), dbSNP rs1221298323, ClinGen allele CA339946829.